The following is an entry in ClinVar:

ClinVar aggregate classification (germline): Conflicting classifications of pathogenicity. Review status: criteria provided, conflicting classifications (1 of 4 stars). 3 submissions from 3 submitters: Pathogenic (1); Uncertain significance (1). 1 of the submissions does not count toward it. Last evaluated 2024-06-07.

Conditions:
Mucopolysaccharidosis, MPS-II (MPS2). Also called: Attenuated MPS (subtype; formerly known as mild MPS II); Severe MPS II; I2S deficiency; MPS 2; Mucopolysaccharidosis type 2; Mucopolysaccharidosis with skin involvement. Identifiers: Orphanet 580, Orphanet 79388, MedGen C0026705, MONDO:0010674, OMIM 309900.

Submissions (3):

Laboratory of Diagnosis and Therapy of Lysosomal Disorders, University of Padova
Classification: Pathogenic for Mucopolysaccharidosis, MPS-II. Last evaluated: 2024-06-07. Review status: criteria provided, single submitter. Criteria: ACMG Guidelines, 2015. Collection method: literature only. Allele origin: germline. Affected: yes. Observed: 1 variant allele.
Comment: Absent from controls (or at low frequency) in gnomAD database (PM2_Moderate), Protein length changes in a nonrepeat region or stop–loss variants (PM4_Strong), Multiple lines of computational evidence support a deleterious effect (PP3_Supporting), Patient’s phenotype or family history highly specific for the disease (PP4_Strong)

Classification method: ACMG Guidelines [PMID:25741868] with modifications

Juno Genomics, Hangzhou Juno Genomics, Inc
Classification: Uncertain significance for Mucopolysaccharidosis, MPS-II. Review status: criteria provided, single submitter. Criteria: ACMG Guidelines, 2015. Collection method: clinical testing. Allele origin: germline.
Comment: Absent from controls (or at extremely low frequency if recessive) in Genome Aggregation Database.;Protein length changes due to in-frame deletions/insertions in a non-repeat region or stop-loss variants.;Patient's phenotype or family history is highly specific for a disease with a single genetic etiology.

Laboratory of Inherited Metabolic Diseases, Research centre for medical genetics
Classification: Pathogenic for Mucopolysaccharidosis, type II; MPS2. Review status: no assertion criteria provided. Collection method: research. Allele origin: germline. Affected: yes. Not counted in ClinVar's aggregate classification.

Literature cited by the submitters: PubMed 33676511 (cited by Laboratory of Diagnosis and Therapy of Lysosomal Disorders, University of Padova).

NM_000202.8(IDS):c.622TTG[1] (p.Leu209del)

Genes: IDS (iduronate 2-sulfatase; minus strand), LOC106050102 (IDS recombination region; plus strand). Cytogenetic location: Xq28.
Variant type: Microsatellite.
Coding change: c.622TTG[1] on transcript NM_000202.8 (MANE Select); one copy of the 3-base unit TTG starting at c.622; the reference has two copies in a row; one copy, 3 bases deleted; also written c.625_627del.
Protein change: p.Leu209del; deletes leucine 209.
Molecular consequence: inframe deletion. On other transcripts: non-coding transcript variant (1).
Genome position (GRCh38, 1-based): chrX:149,498,188-149,498,190, CAA deleted on the plus strand (TTG on the coding strand, the reverse complement: IDS is on the minus strand); deleting any 3 consecutive bases within chrX:149,498,188-149,498,194 gives the same sequence; the position shown is the placement nearest the transcript's 3' end. VCF-style (leftmost placement, unchanged base first): chrX-149498187-CCAA-C. GRCh37 (hg19) VCF-style: chrX-148579718-CCAA-C.
Other names: c.352TTG[1], p.Leu119del (NM_001166550.4); c.622TTG[1], p.Leu209del (NM_006123.5); c.625_627del (NM_000202.8); short protein forms L119del, L209del.
Identifiers: ClinVar variation 988678 (VCV000988678.5), dbSNP rs2089451270, ClinGen allele CA2465009223.